The following is an entry in ClinVar:

ClinVar aggregate classification (germline): Uncertain significance (1 of 4 stars; one submission).

Conditions:
Pityriasis rubra pilaris (PRP). Also called: Pityriasis rubra pilaris--familial type. Identifiers: Orphanet 2897, MedGen C0032027, MONDO:0100017, OMIM 173200, MONDO:0008251.
Psoriasis 2. Identifiers: MedGen C1864497, MONDO:0011269, OMIM 602723.

gnomAD v4.1: 3 of 1,576,260 alleles (0.00019%); no homozygotes.

Submission:

Labcorp Genetics (formerly Invitae), Labcorp
Classification: Uncertain significance for Pityriasis rubra pilaris; Psoriasis 2. Last evaluated: 2022-09-09. Review status: criteria provided, single submitter. Criteria: Invitae Variant Classification Sherloc (09022015). Collection method: clinical testing. Allele origin: germline.
Comment: This sequence change replaces cysteine, which is neutral and slightly polar, with tryptophan, which is neutral and slightly polar, at codon 35 of the CARD14 protein (p.Cys35Trp). This variant is not present in population databases (gnomAD no frequency). This variant has not been reported in the literature in individuals affected with CARD14-related conditions. ClinVar contains an entry for this variant (Variation ID: 1056814). Advanced modeling of protein sequence and biophysical properties (such as structural, functional, and spatial information, amino acid conservation, physicochemical variation, residue mobility, and thermodynamic stability) has been performed at Invitae for this missense variant, however the output from this modeling did not meet the statistical confidence thresholds required to predict the impact of this variant on CARD14 protein function. In summary, the available evidence is currently insufficient to determine the role of this variant in disease. Therefore, it has been classified as a Variant of Uncertain Significance.

NM_001366385.1(CARD14):c.105C>G (p.Cys35Trp)

Gene: CARD14 (caspase recruitment domain family member 14; plus strand). Cytogenetic location: 17q25.3.
Variant type: single nucleotide variant.
Coding change: c.105C>G on transcript NM_001366385.1 (MANE Select); coding-DNA position 105, C replaced by G.
Protein change: p.Cys35Trp; replaces cysteine 35 with tryptophan.
Molecular consequence: missense variant. On other transcripts: non-coding transcript variant (1).
Genome position (GRCh38, 1-based): chr17:80,181,543, C>G. VCF-style: chr17-80181543-C-G. GRCh37 (hg19) VCF-style: chr17-78155342-C-G.
Other names: c.105C>G, p.Cys35Trp (NM_001257970.1, NM_024110.4); short protein forms C35W.
Identifiers: ClinVar variation 1056814 (VCV001056814.9), dbSNP rs1014127464, ClinGen allele CA294905033.